The following is an entry in ClinVar:

ClinVar aggregate classification (germline): Pathogenic (1 of 4 stars; one submission).

Conditions:
Autosomal recessive nonsyndromic hearing loss 9. Also called: NEUROSENSORY NONSYNDROMIC RECESSIVE DEAFNESS 9; OTOF-Related Hearing Loss; Deafness, autosomal recessive 9; AUDITORY NEUROPATHY, AUTOSOMAL RECESSIVE, 1, TEMPERATURE-SENSITIVE. Identifiers: Orphanet 90636, MedGen C1832828, MONDO:0010986, OMIM 601071.

Submission:

Institute of Rare Diseases, West China Hospital, Sichuan University
Classification: Pathogenic for Autosomal recessive nonsyndromic hearing loss 9. Last evaluated: 2025-01-09. Review status: criteria provided, single submitter. Criteria: ClinGen HL ACMG Specifications v1. Collection method: research. Allele origin: germline. Affected: yes.
Comment: PVS1;PM2_Supporting;PP1

NM_194248.3(OTOF):c.3127-2A>C

Gene: OTOF (otoferlin; minus strand). Cytogenetic location: 2p23.3.
Variant type: single nucleotide variant.
Coding change: c.3127-2A>C on transcript NM_194248.3 (MANE Select); the canonical splice acceptor site of the intron before coding-DNA position 3127, A replaced by C.
Molecular consequence: splice acceptor variant.
Genome position (GRCh38, 1-based): chr2:26,474,676, T>G on the plus strand (A>C on the coding strand, the complement: OTOF is on the minus strand). VCF-style: chr2-26474676-T-G. GRCh37 (hg19) VCF-style: chr2-26697544-T-G.
Other names: c.3127-2A>C (NM_001287489.2); c.886-2A>C (NM_194323.3, NM_004802.4); c.1057-2A>C (NM_194322.3).
Identifiers: ClinVar variation 3601561 (VCV003601561.1).